The following is an entry in ClinVar:

ClinVar aggregate classification (germline): Conflicting classifications of pathogenicity. Review status: criteria provided, conflicting classifications (1 of 4 stars). 2 submissions from 2 submitters: Uncertain significance (1); Likely benign (1). Last evaluated 2023-03-23.

Conditions:
Hereditary breast ovarian cancer syndrome. Also called: Hereditary breast and ovarian cancer syndrome; Hereditary breast and ovarian cancer syndrome (HBOC); Breast and ovarian cancer; Hereditary breast and/or ovarian cancer syndrome; Hereditary breast and ovarian cancer; BRCA1- and BRCA2-Associated Hereditary Breast and Ovarian Cancer. Identifiers: Orphanet 145, MedGen C0677776, MeSH D061325, MONDO:0003582. Disease mechanism: loss of function.
Hereditary cancer-predisposing syndrome. Also called: Neoplastic Syndromes, Hereditary; Tumor predisposition; Hereditary Cancer Syndrome; Hereditary neoplastic syndrome. Identifiers: Orphanet 140162, MedGen C0027672, MeSH D009386, MONDO:0015356.

Submissions (2):

University of Washington Department of Laboratory Medicine, University of Washington
Classification: Likely benign for Hereditary cancer-predisposing syndrome. Last evaluated: 2023-03-23. Review status: criteria provided, single submitter. Criteria: Dines et al. (Genet Med. 2020). Collection method: curation. Allele origin: germline.
Comment: Missense variant in a coldspot region where missense variants are very unlikely to be pathogenic (PMID:31911673).

BRCA2 exon 11 coldspot. Reclassification based on statistical prior probability.

Labcorp Genetics (formerly Invitae), Labcorp
Classification: Uncertain significance for Hereditary breast ovarian cancer syndrome. Last evaluated: 2022-07-29. Review status: criteria provided, single submitter. Criteria: Invitae Variant Classification Sherloc (09022015). Collection method: clinical testing. Allele origin: germline.
Comment: This sequence change replaces serine, which is neutral and polar, with cysteine, which is neutral and slightly polar, at codon 1538 of the BRCA2 protein (p.Ser1538Cys). This variant is not present in population databases (gnomAD no frequency). This variant has not been reported in the literature in individuals affected with BRCA2-related conditions. Advanced modeling of protein sequence and biophysical properties (such as structural, functional, and spatial information, amino acid conservation, physicochemical variation, residue mobility, and thermodynamic stability) performed at Invitae indicates that this missense variant is not expected to disrupt BRCA2 protein function. In summary, the available evidence is currently insufficient to determine the role of this variant in disease. Therefore, it has been classified as a Variant of Uncertain Significance.

NM_000059.4(BRCA2):c.4613C>G (p.Ser1538Cys)

Gene: BRCA2 (BRCA2 DNA repair associated; plus strand). Cytogenetic location: 13q13.1.
Variant type: single nucleotide variant.
Coding change: c.4613C>G on transcript NM_000059.4 (MANE Select); coding-DNA position 4613, C replaced by G.
Protein change: p.Ser1538Cys; replaces serine 1538 with cysteine.
Molecular consequence: missense variant.
Genome position (GRCh38, 1-based): chr13:32,338,968, C>G. VCF-style: chr13-32338968-C-G. GRCh37 (hg19) VCF-style: chr13-32913105-C-G.
Other names: c.4613C>G, p.Ser1538Cys (NM_001406719.1, NM_001406720.1); short protein forms S1538C.
Identifiers: ClinVar variation 1714232 (VCV001714232.7), dbSNP rs754643404, ClinGen allele CA387782022.